The following is an entry in ClinVar:

NM_001035.3(RYR2):c.7552C>T (p.Arg2518Trp)

Gene: RYR2 (ryanodine receptor 2; plus strand). Cytogenetic location: 1q43.
Variant type: single nucleotide variant.
Coding change: c.7552C>T on transcript NM_001035.3 (MANE Select); coding-DNA position 7552, C replaced by T.
Protein change: p.Arg2518Trp; replaces arginine 2518 with tryptophan.
Molecular consequence: missense variant.
Genome position (GRCh38, 1-based): chr1:237,649,916, C>T. VCF-style: chr1-237649916-C-T. GRCh37 (hg19) VCF-style: chr1-237813216-C-T.
Other names: c.7552C>T (NM_001035.2); short protein forms R2518W.
Identifiers: ClinVar variation 3720294 (VCV003720294.4).

ClinVar aggregate classification (germline): Conflicting classifications of pathogenicity. Review status: criteria provided, conflicting classifications (1 of 4 stars). 3 submissions from 3 submitters: Uncertain significance (2); Likely benign (1). Last evaluated 2026-04-06.

Conditions:
Cardiovascular phenotype. Identifiers: MedGen CN230736.
Catecholaminergic polymorphic ventricular tachycardia 1. Also called: VENTRICULAR TACHYCARDIA, STRESS-INDUCED POLYMORPHIC 1; VENTRICULAR TACHYCARDIA, CATECHOLAMINERGIC POLYMORPHIC, 1, WITH OR WITHOUT ATRIAL DYSFUNCTION AND/OR DILATED CARDIOMYOPATHY; RYR2-Related Catecholaminergic Polymorphic Ventricular Tachycardia. Identifiers: Orphanet 3286, MedGen C1631597, MONDO:0011484, OMIM 604772.

gnomAD v4.1: 19 of 1,613,828 alleles (0.0012%); highest among the groups gnomAD compares: Non-Finnish European, 0.00042%; no homozygotes.

Submissions (3):

Ambry Genetics
Classification: Uncertain significance for Cardiovascular phenotype. Last evaluated: 2026-04-06. Review status: criteria provided, single submitter. Criteria: Ambry Variant Classification Scheme 2023. Collection method: clinical testing. Allele origin: germline.
Comment: The p.R2518W variant (also known as c.7552C>T), located in coding exon 50 of the RYR2 gene, results from a C to T substitution at nucleotide position 7552. The arginine at codon 2518 is replaced by tryptophan, an amino acid with dissimilar properties. This variant was reported in individual(s) with sudden cardiac death and in an individual with dilated cardiomyopathy (Haas J et al. Eur Heart J, 2015 May;36:1123-35a; Junttila MJ et al. Circulation, 2018 Jun;137:2716-2726; V&auml;h&auml;talo JH et al. Front Cardiovasc Med, 2021 Jan;8:755062). This amino acid position is highly conserved in available vertebrate species. In addition, this alteration is predicted to be deleterious by in silico analysis. Based on the available evidence, the clinical significance of this variant remains unclear.

Labcorp Genetics (formerly Invitae), Labcorp
Classification: Uncertain significance for Catecholaminergic polymorphic ventricular tachycardia 1. Last evaluated: 2025-07-27. Review status: criteria provided, single submitter. Criteria: Invitae Variant Classification Sherloc (09022015). Collection method: clinical testing. Allele origin: germline.
Comment: This sequence change replaces arginine, which is basic and polar, with tryptophan, which is neutral and slightly polar, at codon 2518 of the RYR2 protein (p.Arg2518Trp). This variant is present in population databases (rs746762841, gnomAD 0.04%). This missense change has been observed in individual(s) with RYR2-related conditions (PMID: 25163546, 35087879). ClinVar contains an entry for this variant (Variation ID: 3720294). Invitae Evidence Modeling of protein sequence and biophysical properties (such as structural, functional, and spatial information, amino acid conservation, physicochemical variation, residue mobility, and thermodynamic stability) indicates that this missense variant is expected to disrupt RYR2 protein function with a positive predictive value of 80%. Algorithms developed to predict the effect of sequence changes on RNA splicing suggest that this variant may disrupt the consensus splice site. In summary, the available evidence is currently insufficient to determine the role of this variant in disease. Therefore, it has been classified as a Variant of Uncertain Significance.

Blueprint Genetics
Classification: Likely benign. Last evaluated: 2023-08-28. Review status: criteria provided, single submitter. Criteria: ACMG Guidelines, 2015. Collection method: clinical testing. Allele origin: germline.

Literature cited by the submitters: PubMed 25163546 (cited by Ambry Genetics and Labcorp Genetics (formerly Invitae), Labcorp); PubMed 29915098 (cited by Ambry Genetics); PubMed 35087879 (cited by Ambry Genetics and Labcorp Genetics (formerly Invitae), Labcorp).